The following is an entry in ClinVar:

NM_001184880.2(PCDH19):c.3341G>C (p.Arg1114Pro)

Gene: PCDH19 (protocadherin 19; minus strand). Cytogenetic location: Xq22.1.
Variant type: single nucleotide variant.
Coding change: c.3341G>C on transcript NM_001184880.2 (MANE Select); coding-DNA position 3341, G replaced by C.
Protein change: p.Arg1114Pro; replaces arginine 1114 with proline.
Molecular consequence: missense variant.
Genome position (GRCh38, 1-based): chrX:100,296,383, C>G on the plus strand (G>C on the coding strand, the complement: PCDH19 is on the minus strand). VCF-style: chrX-100296383-C-G. GRCh37 (hg19) VCF-style: chrX-99551381-C-G.
Other names: c.3200G>C, p.Arg1067Pro (NM_001105243.2); c.3197G>C, p.Arg1066Pro (NM_020766.3); short protein forms R1114P, R1066P, R1067P.
Identifiers: ClinVar variation 581970 (VCV000581970.9), dbSNP rs770137596, ClinGen allele CA10468633.

ClinVar aggregate classification (germline): Uncertain significance (1 of 4 stars; one submission).

Conditions:
Developmental and epileptic encephalopathy, 9 (DEE9). Also called: JUBERG-HELLMAN SYNDROME; EPILEPSY, FEMALE-RESTRICTED, WITH MENTAL RETARDATION; Early infantile epileptic encephalopathy 9; PCDH19-Related X-Linked Female-Limited Epilepsy with Mental Retardation. Identifiers: Orphanet 101039, Orphanet 2076, MedGen C1848137, MONDO:0010246, OMIM 300088. Disease mechanism: loss of function.

gnomAD v4.1: 5 of 1,211,202 alleles (0.00041%); highest among the groups gnomAD compares: Admixed American, 0.011%; no homozygotes.

Submission:

Labcorp Genetics (formerly Invitae), Labcorp
Classification: Uncertain significance for Developmental and epileptic encephalopathy, 9. Last evaluated: 2025-11-02. Review status: criteria provided, single submitter. Criteria: Invitae Variant Classification Sherloc (09022015). Collection method: clinical testing. Allele origin: germline.
Comment: This sequence change replaces arginine, which is basic and polar, with proline, which is neutral and non-polar, at codon 1114 of the PCDH19 protein (p.Arg1114Pro). This variant is present in population databases (rs770137596, gnomAD 0.02%). This variant has not been reported in the literature in individuals affected with PCDH19-related conditions. ClinVar contains an entry for this variant (Variation ID: 581970). Invitae Evidence Modeling of protein sequence and biophysical properties (such as structural, functional, and spatial information, amino acid conservation, physicochemical variation, residue mobility, and thermodynamic stability) indicates that this missense variant is not expected to disrupt PCDH19 protein function with a negative predictive value of 95%. In summary, the available evidence is currently insufficient to determine the role of this variant in disease. Therefore, it has been classified as a Variant of Uncertain Significance.